The following is an entry in ClinVar:

ClinVar aggregate classification (germline): Uncertain significance (1 of 4 stars; one submission).

Conditions:
Cardiovascular phenotype. Identifiers: MedGen CN230736.

Submission:

Ambry Genetics
Classification: Uncertain significance for Cardiovascular phenotype. Last evaluated: 2023-07-21. Review status: criteria provided, single submitter. Criteria: Ambry Variant Classification Scheme 2023. Collection method: clinical testing. Allele origin: germline.
Comment: The p.P54S variant (also known as c.160C>T), located in coding exon 1 of the RBM20 gene, results from a C to T substitution at nucleotide position 160. The proline at codon 54 is replaced by serine, an amino acid with similar properties. This amino acid position is conserved. In addition, the in silico prediction for this alteration is inconclusive. Since supporting evidence is limited at this time, the clinical significance of this alteration remains unclear.

NM_001134363.3(RBM20):c.160C>T (p.Pro54Ser)

Gene: RBM20 (RNA binding motif protein 20; plus strand). Cytogenetic location: 10q25.2.
Variant type: single nucleotide variant.
Coding change: c.160C>T on transcript NM_001134363.3 (MANE Select); coding-DNA position 160, C replaced by T.
Protein change: p.Pro54Ser; replaces proline 54 with serine.
Molecular consequence: missense variant.
Genome position (GRCh38, 1-based): chr10:110,644,614, C>T. VCF-style: chr10-110644614-C-T. GRCh37 (hg19) VCF-style: chr10-112404372-C-T.
Other names: short protein forms P54S.
Identifiers: ClinVar variation 2626077 (VCV002626077.2), dbSNP rs1861841938, ClinGen allele CA378527909.